The following is an entry in ClinVar:

NM_000091.5(COL4A3):c.2778G>C (p.Gln926His)

Genes: COL4A3 (collagen type IV alpha 3 chain; plus strand), MFF-DT (MFF divergent transcript; minus strand). Cytogenetic location: 2q36.3.
Variant type: single nucleotide variant.
Coding change: c.2778G>C on transcript NM_000091.5 (MANE Select); coding-DNA position 2778, G replaced by C.
Protein change: p.Gln926His; replaces glutamine 926 with histidine.
Molecular consequence: missense variant.
Genome position (GRCh38, 1-based): chr2:227,284,242, G>C. VCF-style: chr2-227284242-G-C. GRCh37 (hg19) VCF-style: chr2-228148958-G-C.
Other names: short protein forms Q926H.
Identifiers: ClinVar variation 4984340 (VCV004984340.1).

ClinVar aggregate classification (germline): Uncertain significance (1 of 4 stars; one submission).

Conditions:
COL4A3-related disorder. Also called: COL4A3-related condition; COL4A3-Related Disorders.

Submission:

PreventionGenetics, part of Exact Sciences
Classification: Uncertain significance for COL4A3-related condition. Last evaluated: 2025-02-15. Review status: criteria provided, single submitter. Criteria: ACMG Guidelines, 2015. Collection method: clinical testing. Allele origin: germline.
Comment: The COL4A3 c.2778G>C variant is predicted to result in the amino acid substitution p.Gln926His. To our knowledge, this variant has not been reported in the literature. This variant is reported in 0.0056% of alleles in individuals of East Asian descent in gnomAD. At this time, the clinical significance of this variant is uncertain due to the absence of conclusive functional and genetic evidence.